The following is an entry in ClinVar:

NM_000051.4(ATM):c.3162_3176del (p.Tyr1055_Ala1059del)

Gene: ATM (ATM serine/threonine kinase; plus strand). Cytogenetic location: 11q22.3.
Variant type: Deletion.
Coding change: c.3162_3176del on transcript NM_000051.4 (MANE Select); coding-DNA positions 3162 to 3176, 15 bases deleted (TTATTCAAAATGGGC).
Protein change: p.Tyr1055_Ala1059del.
Molecular consequence: inframe indel (on NM_000051.3).
Genome position (GRCh38, 1-based): chr11:108,272,730-108,272,744, TTATTCAAAATGGGC deleted; deleting any 15 consecutive bases within chr11:108,272,729-108,272,744 gives the same sequence; the c. name uses the placement nearest the transcript's 3' end. VCF-style (leftmost placement, unchanged base first): chr11-108272728-CCTTATTCAAAATGGG-C. GRCh37 (hg19) VCF-style: chr11-108143455-CCTTATTCAAAATGGG-C.
Other names: c.3162_3176del, p.Tyr1055_Ala1059del (NM_001351834.2); c.3162_3176del15 (NM_000051.3).
Identifiers: ClinVar variation 4843916 (VCV004843916.1).

ClinVar aggregate classification (germline): Uncertain significance (1 of 4 stars; one submission).

Conditions:
Hereditary cancer-predisposing syndrome. Also called: Neoplastic Syndromes, Hereditary; Tumor predisposition; Hereditary Cancer Syndrome; Hereditary neoplastic syndrome. Identifiers: Orphanet 140162, MedGen C0027672, MeSH D009386, MONDO:0015356.

Submission:

Ambry Genetics
Classification: Uncertain significance for Hereditary cancer-predisposing syndrome. Last evaluated: 2025-12-29. Review status: criteria provided, single submitter. Criteria: Ambry Variant Classification Scheme 2023. Collection method: clinical testing. Allele origin: germline.
Comment: The c.3162_3176del15 variant (also known as p.Y1055_A1059del) is located in coding exon 21 of the ATM gene. This variant results from an in-frame TTATTCAAAATGGGC deletion at nucleotide positions 3162 to 3176. This results in the in-frame deletion of 5 residues at codons 1055 to 1059. This amino acid region is well conserved in available vertebrate species. In addition, this variant is predicted to be deleterious by in silico analysis (Choi Y et al. PLoS ONE. 2012; 7(10):e46688). Based on the available evidence, the clinical significance of this variant remains unclear.